The following is an entry in ClinVar:

NM_001291303.3(FAT4):c.5308-9T>C

Gene: FAT4 (FAT atypical cadherin 4; plus strand). Cytogenetic location: 4q28.1.
Variant type: single nucleotide variant.
Coding change: c.5308-9T>C on transcript NM_001291303.3 (MANE Select); 9 bases into the intron before coding-DNA position 5308, T replaced by C.
Molecular consequence: intron variant.
Genome position (GRCh38, 1-based): chr4:125,406,871, T>C. VCF-style: chr4-125406871-T-C. GRCh37 (hg19) VCF-style: chr4-126328026-T-C.
Other names: c.5308-9T>C (NM_001291285.3, NM_024582.6).
Identifiers: ClinVar variation 792824 (VCV000792824.10), dbSNP rs199866344, ClinGen allele CA3072681.

ClinVar aggregate classification (germline): Likely benign. Review status: criteria provided, single submitter (1 of 4 stars). 2 submissions from 2 submitters: Likely benign (1). 1 of the submissions does not count toward it. Last evaluated 2022-03-14.

Conditions:
FAT4-related disorder. Also called: FAT4-related condition.

Allele frequency attached by ClinVar (database versions not stated): gnomAD 0.00001 and 0.00004; gnomAD exomes 0.00001 and 0.00004; TOPMed 0.00001; ExAC 0.00006; 1000 Genomes Project 0.00040; 1000 Genomes Project 30x 0.00047.
gnomAD v4.1: 20 of 1,610,632 alleles (0.0012%); highest among the groups gnomAD compares: East Asian, 0.038%; no homozygotes.

Submissions (2):

Labcorp Genetics (formerly Invitae), Labcorp
Classification: Likely benign. Last evaluated: 2022-03-14. Review status: criteria provided, single submitter. Criteria: Invitae Variant Classification Sherloc (09022015). Collection method: clinical testing. Allele origin: germline.

PreventionGenetics, part of Exact Sciences
Classification: Likely benign for FAT4-related condition. Last evaluated: 2022-05-02. Review status: no assertion criteria provided. Collection method: clinical testing. Allele origin: germline. Not counted in ClinVar's aggregate classification.
Comment: This variant is classified as likely benign based on ACMG/AMP sequence variant interpretation guidelines (Richards et al. 2015 PMID: 25741868, with internal and published modifications).